The following is an entry in ClinVar:

NM_024675.4(PALB2):c.448CAG[1] (p.Gln151del)

Gene: PALB2 (partner and localizer of BRCA2; minus strand). Cytogenetic location: 16p12.2.
Variant type: Microsatellite.
Coding change: c.448CAG[1] on transcript NM_024675.4 (MANE Select); one copy of the 3-base unit CAG starting at c.448; the reference has two copies in a row; one copy, 3 bases deleted.
Protein change: p.Gln151del; deletes glutamine 151.
Molecular consequence: inframe deletion.
Genome position (GRCh38, 1-based): chr16:23,636,093-23,636,095, CTG deleted on the plus strand (CAG on the coding strand, the reverse complement: PALB2 is on the minus strand); deleting any 3 consecutive bases within chr16:23,636,093-23,636,100 gives the same sequence; the position shown is the placement nearest the transcript's 3' end. VCF-style (leftmost placement, unchanged base first): chr16-23636092-TCTG-T. GRCh37 (hg19) VCF-style: chr16-23647413-TCTG-T.
Other names: short protein forms Q151del.
Identifiers: ClinVar variation 824961 (VCV000824961.4), dbSNP rs1597099229, ClinGen allele CA915949136.
Genomic context (GRCh38, chr16:23,636,092, plus strand): 5'-ACAATCTGAGTGAATCAGTGCCAAAGACACAGTCTCTCTCCTGTGAAATAAATGTCCTCT[TCTG>T]CTGCTTCTTTCTTCTGCTTGGCAGCTTCTGCTTTTGCTCACCACTAGGGTCACTGACCCT-3'

ClinVar aggregate classification (germline): Uncertain significance (1 of 4 stars; one submission).

Conditions:
Hereditary cancer-predisposing syndrome. Also called: Neoplastic Syndromes, Hereditary; Tumor predisposition; Hereditary neoplastic syndrome; Hereditary Cancer Syndrome. Identifiers: Orphanet 140162, MedGen C0027672, MeSH D009386, MONDO:0015356.

Submission:

Ambry Genetics
Classification: Uncertain significance for Hereditary cancer-predisposing syndrome. Last evaluated: 2017-12-19. Review status: criteria provided, single submitter. Criteria: Ambry Variant Classification Scheme 2023. Collection method: clinical testing. Allele origin: germline.
Comment: The c.451_453delCAG variant (also known as p.Q151del) is located in coding exon 4 of the PALB2 gene. This variant results from an in-frame CAG deletion at nucleotide positions 451 to 453. This results in the in-frame deletion of a glutamine at codon 151. This amino acid position is not well conserved in available vertebrate species. Since supporting evidence is limited at this time, the clinical significance of this alteration remains unclear.